The following is an entry in ClinVar:

NM_001347721.2(DYRK1A):c.700_702delinsATAGAGGTTGT (p.Tyr234fs)

Gene: DYRK1A (dual specificity tyrosine phosphorylation regulated kinase 1A; plus strand). Cytogenetic location: 21q22.13.
Variant type: Indel.
Coding change: c.700_702delinsATAGAGGTTGT on transcript NM_001347721.2 (MANE Select); coding-DNA positions 700 to 702, TAC replaced by ATAGAGGTTGT.
Protein change: p.Tyr234fs; shifts the reading frame from tyrosine 234.
Molecular consequence: frameshift variant.
Genome position (GRCh38, 1-based): chr21:37,490,237-37,490,239, TAC replaced by ATAGAGGTTGT. VCF-style: chr21-37490237-TAC-ATAGAGGTTGT. GRCh37 (hg19) VCF-style: chr21-38862539-TAC-ATAGAGGTTGT.
Other names: c.700_702delinsATAGAGGTTGT, p.Tyr234fs (NM_001347722.2, NM_130436.2); c.613_615delinsATAGAGGTTGT, p.Tyr205fs (NM_001347723.2); c.727_729delinsATAGAGGTTGT, p.Tyr243fs (NM_001396.5, NM_101395.2, NM_130438.2); short protein forms Y205fs, Y243fs, Y234fs.
Identifiers: ClinVar variation 265603 (VCV000265603.2), dbSNP rs886039660, ClinGen allele CA10588710.

ClinVar aggregate classification (germline): Pathogenic (1 of 4 stars; one submission).

Submission:

GeneDx
Classification: Pathogenic. Last evaluated: 2016-06-09. Review status: criteria provided, single submitter. Criteria: GeneDx Variant Classification (06012015). Collection method: clinical testing. Allele origin: germline. Affected: yes.
Comment: The c.727_729delTACins11 pathogenic variant in the DYRK1A gene has not been reported previously as a pathogenic variant nor as a benign variant, to our knowledge. This variant causes a frameshift starting with codon Tyrosine 243, changes this amino acid to an Isoleucine residue, and creates a premature Stop codon at position 10 of the new reading frame, denoted p.Tyr243IlefsX10. This variant is predicted to cause loss of normal protein function either through protein truncation or nonsense-mediated mRNA decay. The c.727_729delTACins11 variant was not observed in approximately 6500 individuals of European and African American ancestry in the NHLBI Exome Sequencing Project, indicating it is not a common benign variant in these populations. We interpret c.727_729delTACins11 as a pathogenic variant.